The following is an entry in ClinVar:

ClinVar aggregate classification (germline): Uncertain significance (1 of 4 stars; one submission).

Conditions:
Wiskott-Aldrich syndrome 2 (WAS2). Also called: WIPF1 DEFICIENCY. Identifiers: Orphanet 906, MedGen C3281001, MONDO:0013779, OMIM 614493.

Submission:

Labcorp Genetics (formerly Invitae), Labcorp
Classification: Uncertain significance for Wiskott-Aldrich syndrome 2. Last evaluated: 2020-09-01. Review status: criteria provided, single submitter. Criteria: Invitae Variant Classification Sherloc (09022015). Collection method: clinical testing. Allele origin: germline.
Comment: This variant is not present in population databases (ExAC no frequency). This variant has not been reported in the literature in individuals with WIPF1-related conditions. Algorithms developed to predict the effect of missense changes on protein structure and function are either unavailable or do not agree on the potential impact of this missense change (SIFT: "Not Available"; PolyPhen-2: "Probably Damaging"; Align-GVGD: "Not Available"). In summary, the available evidence is currently insufficient to determine the role of this variant in disease. Therefore, it has been classified as a Variant of Uncertain Significance. This sequence change replaces arginine with proline at codon 236 of the WIPF1 protein (p.Arg236Pro). The arginine residue is moderately conserved and there is a moderate physicochemical difference between arginine and proline.

NM_001375834.1(WIPF1):c.707G>C (p.Arg236Pro)

Gene: WIPF1 (WAS/WASL interacting protein family member 1; minus strand). Cytogenetic location: 2q31.1.
Variant type: single nucleotide variant.
Coding change: c.707G>C on transcript NM_001375834.1 (MANE Select); coding-DNA position 707, G replaced by C.
Protein change: p.Arg236Pro; replaces arginine 236 with proline.
Molecular consequence: missense variant.
Genome position (GRCh38, 1-based): chr2:174,572,098, C>G on the plus strand (G>C on the coding strand, the complement: WIPF1 is on the minus strand). VCF-style: chr2-174572098-C-G. GRCh37 (hg19) VCF-style: chr2-175436826-C-G.
Other names: c.707G>C, p.Arg236Pro (NM_001077269.1, NM_001375832.1, NM_001375833.1 and 5 more transcripts); c.329G>C, p.Arg110Pro (NM_001375839.1); short protein forms R110P, R236P.
Identifiers: ClinVar variation 1057935 (VCV001057935.7), dbSNP rs1412093478, ClinGen allele CA349342000.